The following is an entry in ClinVar:

NM_001369.3(DNAH5):c.9041_9042del (p.Thr3014fs)

Gene: DNAH5 (dynein axonemal heavy chain 5; minus strand). Cytogenetic location: 5p15.2.
Variant type: Microsatellite.
Coding change: c.9041_9042del on transcript NM_001369.3 (MANE Select); coding-DNA positions 9041 to 9042, 2 bases deleted (CA; older notation c.9041_9042delCA).
Protein change: p.Thr3014fs; shifts the reading frame from threonine 3014.
Molecular consequence: frameshift variant.
Genome position (GRCh38, 1-based): chr5:13,777,265-13,777,266, TG deleted on the plus strand (CA on the coding strand, the reverse complement: DNAH5 is on the minus strand); deleting any 2 consecutive bases within chr5:13,777,265-13,777,268 gives the same sequence; the c. name uses the placement nearest the transcript's 3' end. VCF-style (leftmost placement, unchanged base first): chr5-13777264-CTG-C. GRCh37 (hg19) VCF-style: chr5-13777373-CTG-C.
Other names: short protein forms T3014fs.
Identifiers: ClinVar variation 1723992 (VCV001723992.2), dbSNP rs2546682078, ClinGen allele CA2580613519.

ClinVar aggregate classification (germline): Likely pathogenic (1 of 4 stars; one submission).

Conditions:
Primary ciliary dyskinesia 3. Identifiers: Orphanet 244, MedGen C1837618, MONDO:0012085, OMIM 608644.

Submission:

Myriad Genetics, Inc.
Classification: Likely pathogenic for Primary ciliary dyskinesia 3. Last evaluated: 2022-01-23. Review status: criteria provided, single submitter. Criteria: Myriad Women's Health Autosomal Recessive and X-Linked Classification Criteria (2021). Collection method: clinical testing. Allele origin: unknown.
Comment: NM_001369.2(DNAH5):c.9041_9042delCA(T3014Rfs*3) is expected to be pathogenic in the context of DNAH5-related primary ciliary dyskinesia. This variant is predicted to lead to an abnormal or absent protein product due to the creation of a premature termination codon in DNAH5, a gene where loss-of-function variants are known to be pathogenic. Please note: this variant was assessed in the context of healthy population screening.